The following is an entry in ClinVar:

ClinVar aggregate classification (germline): Uncertain significance (1 of 4 stars; one submission).

Conditions:
Glycogen storage disease IXb (GSD9B). Also called: GLYCOGENOSIS OF LIVER AND MUSCLE, AUTOSOMAL RECESSIVE; GSD IXb; PHOSPHORYLASE KINASE DEFICIENCY OF LIVER AND MUSCLE, AUTOSOMAL RECESSIVE. Identifiers: Orphanet 79240, MedGen C0543514, MONDO:0009868, OMIM 261750.

Submission:

Labcorp Genetics (formerly Invitae), Labcorp
Classification: Uncertain significance for Glycogen storage disease IXb. Last evaluated: 2022-07-25. Review status: criteria provided, single submitter. Criteria: Invitae Variant Classification Sherloc (09022015). Collection method: clinical testing. Allele origin: germline.
Comment: This variant has not been reported in the literature in individuals affected with PHKB-related conditions. Algorithms developed to predict the effect of missense changes on protein structure and function (SIFT, PolyPhen-2, Align-GVGD) all suggest that this variant is likely to be disruptive. In summary, the available evidence is currently insufficient to determine the role of this variant in disease. Therefore, it has been classified as a Variant of Uncertain Significance. This sequence change replaces serine, which is neutral and polar, with arginine, which is basic and polar, at codon 503 of the PHKB protein (p.Ser503Arg). This variant is not present in population databases (gnomAD no frequency).

NM_000293.3(PHKB):c.1509C>G (p.Ser503Arg)

Gene: PHKB (phosphorylase kinase regulatory subunit beta; plus strand). Cytogenetic location: 16q12.1.
Variant type: single nucleotide variant.
Coding change: c.1509C>G on transcript NM_000293.3 (MANE Select); coding-DNA position 1509, C replaced by G.
Protein change: p.Ser503Arg; replaces serine 503 with arginine.
Molecular consequence: missense variant.
Genome position (GRCh38, 1-based): chr16:47,641,085, C>G. VCF-style: chr16-47641085-C-G. GRCh37 (hg19) VCF-style: chr16-47674996-C-G.
Other names: c.1488C>G, p.Ser496Arg (NM_001031835.3); c.1509C>G, p.Ser503Arg (NM_001363837.1); short protein forms S496R, S503R.
Identifiers: ClinVar variation 1713756 (VCV001713756.5), dbSNP rs2506537789, ClinGen allele CA395784352.
Genomic context (GRCh38, chr16:47,641,085, plus strand): 5'-TGCATTACAGGGCCCACTGGAAAATGACTTGGTAGTTCATGTGGCACTTATAGCAGAAAG[C>G]CAAAGGTATGAAATCCAAGTGGGTGGTGTGTTTTTTTGTGGGGAGGGGAGGGGAGGGGAA-3'
Protein context (NP_000284.1, residues 493-513): LVVHVALIAE[Ser503Arg]QRLQVFLNTY